The following is an entry in ClinVar:

NM_004595.5(SMS):c.551G>A (p.Ser184Asn)

Gene: SMS (spermine synthase; plus strand). Cytogenetic location: Xp22.11.
Variant type: single nucleotide variant.
Coding change: c.551G>A on transcript NM_004595.5 (MANE Select); coding-DNA position 551, G replaced by A.
Protein change: p.Ser184Asn; replaces serine 184 with asparagine.
Molecular consequence: missense variant.
Genome position (GRCh38, 1-based): chrX:21,978,005, G>A. VCF-style: chrX-21978005-G-A. GRCh37 (hg19) VCF-style: chrX-21996123-G-A.
Other names: c.551G>A (NM_004595.2); c.392G>A, p.Ser131Asn (NM_001258423.2); short protein forms S184N, S131N.
Identifiers: ClinVar variation 4170766 (VCV004170766.2).
Genomic context (GRCh38, chrX:21,978,005, plus strand): 5'-GTTTCTCCTCCCTAGATTTGGCAGAGAGTGATTTGGCATATACCCGGGCCATCATGGGCA[G>A]TGGCAAAGAAGATTACACTGGCAAAGATGTACTCATTCTGGGAGGTGGAGACGGAGGCAT-3'
Protein context (NP_004586.2, residues 174-194): DLAYTRAIMG[Ser184Asn]GKEDYTGKDV

ClinVar aggregate classification (germline): Uncertain significance. Review status: criteria provided, multiple submitters, no conflicts (2 of 4 stars). 2 submissions from 2 submitters: Uncertain significance (2). Last evaluated 2026-02-25.

Conditions:
Inborn genetic diseases. Identifiers: MedGen C0950123, MeSH D030342.

gnomAD v4.1: 3 of 1,209,540 alleles (0.00025%); highest among the groups gnomAD compares: Non-Finnish European, 0.00034%; no homozygotes.

Submissions (2):

GeneDx
Classification: Uncertain significance. Last evaluated: 2026-02-25. Review status: criteria provided, single submitter. Criteria: GeneDx Variant Classification Process June 2021. Collection method: clinical testing. Allele origin: germline.
Comment: Not observed at significant frequency in large population cohorts (gnomAD); In silico analysis suggests that this missense variant does not alter protein structure/function; Has not been previously published as pathogenic or benign to our knowledge

Ambry Genetics
Classification: Uncertain significance for Inborn genetic diseases. Last evaluated: 2025-06-24. Review status: criteria provided, single submitter. Criteria: Ambry Variant Classification Scheme 2023. Collection method: clinical testing. Allele origin: germline.